The following is an entry in ClinVar:

ClinVar aggregate classification (germline): Uncertain significance (1 of 4 stars; one submission).

Allele frequency attached by ClinVar (database versions not stated): gnomAD exomes below 0.00001; gnomAD 0.00001; TOPMed 0.00002.
gnomAD v4.1: 5 of 1,519,772 alleles (0.00033%); highest among the groups gnomAD compares: Non-Finnish European, 0.00044%; no homozygotes.

Submission:

Ambry Genetics
Classification: Uncertain significance. Last evaluated: 2023-07-15. Review status: criteria provided, single submitter. Criteria: Ambry Variant Classification Scheme 2023. Collection method: clinical testing. Allele origin: germline.
Comment: The p.V92A variant (also known as c.275T>C), located in coding exon 4 of the FAM175A gene, results from a T to C substitution at nucleotide position 275. The valine at codon 92 is replaced by alanine, an amino acid with similar properties. This amino acid position is conserved. In addition, this alteration is predicted to be tolerated by in silico analysis. Since supporting evidence is limited at this time, the clinical significance of this alteration remains unclear.

NM_139076.3(ABRAXAS1):c.275T>C (p.Val92Ala)

Gene: ABRAXAS1 (abraxas 1, BRCA1 A complex subunit; minus strand). Cytogenetic location: 4q21.23.
Variant type: single nucleotide variant.
Coding change: c.275T>C on transcript NM_139076.3 (MANE Select); coding-DNA position 275, T replaced by C.
Protein change: p.Val92Ala; replaces valine 92 with alanine.
Molecular consequence: missense variant. On other transcripts: intron variant (1).
Genome position (GRCh38, 1-based): chr4:83,472,229, A>G on the plus strand (T>C on the coding strand, the complement: ABRAXAS1 is on the minus strand). VCF-style: chr4-83472229-A-G. GRCh37 (hg19) VCF-style: chr4-84393382-A-G.
Other names: c.-45-1833T>C (NM_001345962.2); short protein forms V92A.
Identifiers: ClinVar variation 2626306 (VCV002626306.2), dbSNP rs1306485734, ClinGen allele CA357261032.
Genomic context (GRCh38, chr4:83,472,229, plus strand): 5'-ACCAAAAACAATGCAAATAATACCAAAAAAAGGGAAGATAAATTAGAGAATACCTTTTTG[A>G]CATTTGATAATATTTTCTTCAGTGCTTGCTCATTTACTTCGCCTGAAGAATTATAAAAGC-3'
Protein context (NP_620775.2, residues 82-102): EQALKKILSN[Val92Ala]KKNVVGWYKF